The following is an entry in ClinVar:

NM_000875.5(IGF1R):c.*1668C>A

Gene: IGF1R (insulin like growth factor 1 receptor; plus strand). Cytogenetic location: 15q26.3.
Variant type: single nucleotide variant.
Coding change: c.*1668C>A on transcript NM_000875.5 (MANE Select); 1668 bases downstream of the stop codon, C replaced by A.
Molecular consequence: 3 prime UTR variant.
Genome position (GRCh38, 1-based): chr15:98,959,110, C>A. VCF-style: chr15-98959110-C-A. GRCh37 (hg19) VCF-style: chr15-99502339-C-A.
Other names: c.*1668C>A (NM_001291858.2).
Identifiers: ClinVar variation 317510 (VCV000317510.5), dbSNP rs541647710, ClinGen allele CA10636745.

ClinVar aggregate classification (germline): Likely benign (1 of 4 stars; one submission).

Conditions:
Growth delay due to insulin-like growth factor I resistance. Also called: Somatomedin end-organ insensitivity to; Somatomedin-c resistance to; IGF-1 resistance; IGF-I RESISTANCE; Insulin-Like Growth Factor I Resistance. Identifiers: Orphanet 73273, MedGen C1849157, MONDO:0010038, OMIM 270450.

Allele frequency attached by ClinVar (database versions not stated): TOPMed 0.00001; gnomAD exomes 0.00007; 1000 Genomes Project 30x 0.00047; 1000 Genomes Project 0.00060.
gnomAD v4.1: 10 of 233,330 alleles (0.0043%); highest among the groups gnomAD compares: South Asian, 0.18%; 1 homozygote.

Submission:

Illumina Laboratory Services, Illumina
Classification: Likely benign for Growth delay due to insulin-like growth factor I resistance. Last evaluated: 2018-01-13. Review status: criteria provided, single submitter. Criteria: ICSL Variant Classification Criteria 13 December 2019. Collection method: clinical testing. Allele origin: germline.
Comment: This variant was observed in the ICSL laboratory as part of a predisposition screen in an ostensibly healthy population. It had not been previously curated by ICSL or reported in the Human Gene Mutation Database (HGMD: prior to June 1st, 2018), and was therefore a candidate for classification through an automated scoring system. Utilizing variant allele frequency, disease prevalence and penetrance estimates, and inheritance mode, an automated score was calculated to assess if this variant is too frequent to cause the disease. Based on the score and internal cut-off values, a variant classified as likely benign is not then subjected to further curation. The score for this variant resulted in a classification of likely benign for this disease.